The following is an entry in ClinVar:

ClinVar aggregate classification (germline): Uncertain significance (1 of 4 stars; one submission).

Conditions:
Cardiovascular phenotype. Identifiers: MedGen CN230736.

Submission:

Ambry Genetics
Classification: Uncertain significance for Cardiovascular phenotype. Last evaluated: 2024-11-05. Review status: criteria provided, single submitter. Criteria: Ambry Variant Classification Scheme 2023. Collection method: clinical testing. Allele origin: germline.
Comment: The p.I706F variant (also known as c.2116A>T), located in coding exon 16 of the MYH6 gene, results from an A to T substitution at nucleotide position 2116. The isoleucine at codon 706 is replaced by phenylalanine, an amino acid with highly similar properties. This amino acid position is conserved. In addition, this alteration is predicted to be deleterious by in silico analysis. Based on the available evidence, the clinical significance of this variant remains unclear.

NM_002471.4(MYH6):c.2116A>T (p.Ile706Phe)

Gene: MYH6 (myosin heavy chain 6; minus strand). Cytogenetic location: 14q11.2.
Variant type: single nucleotide variant.
Coding change: c.2116A>T on transcript NM_002471.4 (MANE Select); coding-DNA position 2116, A replaced by T.
Protein change: p.Ile706Phe; replaces isoleucine 706 with phenylalanine.
Molecular consequence: missense variant.
Genome position (GRCh38, 1-based): chr14:23,397,015, T>A on the plus strand (A>T on the coding strand, the complement: MYH6 is on the minus strand). VCF-style: chr14-23397015-T-A. GRCh37 (hg19) VCF-style: chr14-23866224-T-A.
Other names: short protein forms I706F.
Identifiers: ClinVar variation 3400899 (VCV003400899.1).